The following is an entry in ClinVar:

NM_000937.5(POLR2A):c.493G>A (p.Gly165Ser)

Gene: POLR2A (RNA polymerase II subunit A; plus strand). Cytogenetic location: 17p13.1.
Variant type: single nucleotide variant.
Coding change: c.493G>A on transcript NM_000937.5 (MANE Select); coding-DNA position 493, G replaced by A.
Protein change: p.Gly165Ser; replaces glycine 165 with serine.
Molecular consequence: missense variant.
Genome position (GRCh38, 1-based): chr17:7,496,569, G>A. VCF-style: chr17-7496569-G-A. GRCh37 (hg19) VCF-style: chr17-7399888-G-A.
Other names: short protein forms G165S.
Identifiers: ClinVar variation 2672198 (VCV002672198.1), dbSNP rs1466698706, ClinGen allele CA397859722.

ClinVar aggregate classification (germline): Uncertain significance (1 of 4 stars; one submission).

Conditions:
Neurodevelopmental disorder with hypotonia and variable intellectual and behavioral abnormalities. Identifiers: MedGen C5231423, MONDO:0032829, OMIM 618603.

Allele frequency attached by ClinVar (database versions not stated): gnomAD exomes below 0.00001; TOPMed below 0.00001; gnomAD 0.00001.

Submission:

Clinical Genomics Laboratory, Washington University in St. Louis
Classification: Uncertain significance for Neurodevelopmental disorder with hypotonia and variable intellectual and behavioral abnormalities. Last evaluated: 2023-08-09. Review status: criteria provided, single submitter. Criteria: ACMG Guidelines, 2015. Collection method: clinical testing. Allele origin: germline.
Comment: The POLR2A c.493G>A (p.Gly165Ser) variant, to our knowledge, has not been reported in the medical literature and is only observed on 1/31,408 alleles in the general population (gnomAD v.2.1.1), indicating it is not a common variant. This codon does not occur in a known functional domain and MutScore indicates there is a significant clustering of frequent gnomAD missense variants in this region (Quinodoz M et al., PMID: 35120630). Computational predictors suggest that the variant does not impact POLR2A function. Due to limited information, and based on ACMG/AMP guidelines for variant interpretation (Richards S et al., PMID: 25741868), the clinical significance of this variant is uncertain at this time.